The following is an entry in ClinVar:

ClinVar aggregate classification (germline): Uncertain significance (1 of 4 stars; one submission).

gnomAD v4.1: 2 of 1,073,848 alleles (0.00019%); highest among the groups gnomAD compares: Admixed American, 0.0032%; no homozygotes.

Submission:

Labcorp Genetics (formerly Invitae), Labcorp
Classification: Uncertain significance. Last evaluated: 2024-06-03. Review status: criteria provided, single submitter. Criteria: Invitae Variant Classification Sherloc (09022015). Collection method: clinical testing. Allele origin: germline.
Comment: This sequence change affects codon 297 of the SOX3 mRNA. It is a 'silent' change, meaning that it does not change the encoded amino acid sequence of the SOX3 protein. This variant is not present in population databases (gnomAD no frequency). This variant has not been reported in the literature in individuals affected with SOX3-related conditions. Experimental studies and prediction algorithms are not available or were not evaluated, and the effect of this variant on mRNA splicing is currently unknown. In summary, the available evidence is currently insufficient to determine the role of this variant in disease. Therefore, it has been classified as a Variant of Uncertain Significance.

NM_005634.3(SOX3):c.891G>A (p.Pro297=)

Gene: SOX3 (SRY-box transcription factor 3; minus strand). Cytogenetic location: Xq27.1.
Variant type: single nucleotide variant.
Coding change: c.891G>A on transcript NM_005634.3 (MANE Select); coding-DNA position 891, G replaced by A.
Protein change: p.Pro297=; no amino-acid change (proline 297 retained).
Molecular consequence: synonymous variant.
Genome position (GRCh38, 1-based): chrX:140,504,170, C>T on the plus strand (G>A on the coding strand, the complement: SOX3 is on the minus strand). VCF-style: chrX-140504170-C-T. GRCh37 (hg19) VCF-style: chrX-139586335-C-T.
Identifiers: ClinVar variation 3687034 (VCV003687034.2).